The following is an entry in ClinVar:

ClinVar aggregate classification (germline): Likely pathogenic. Review status: criteria provided, multiple submitters, no conflicts (2 of 4 stars). 2 submissions from 2 submitters: Likely pathogenic (2). Last evaluated 2025-10-24.

Conditions:
Combined oxidative phosphorylation deficiency 37 (COXPD37). Identifiers: MedGen C5193031, MONDO:0032679, OMIM 618329.
MICOS13-related disorder. Also called: MICOS13-related condition.

Submissions (2):

Variantyx, Inc.
Classification: Likely pathogenic for Combined oxidative phosphorylation deficiency 37. Last evaluated: 2025-10-24. Review status: criteria provided, single submitter. Criteria: Variantyx Assertion Criteria 2022. Collection method: clinical testing. Allele origin: germline. Inheritance: Autosomal recessive inheritance. Affected: yes.
Comment: This is a frameshift variant in the MICOS13 gene (OMIM: 616658). Pathogenic variants in this gene have been associated with autosomal recessive combined oxidative phosphorylation deficiency 37. This variant introduces a premature termination codon in exon 2 out of 4 and is expected to result in loss of function, which is a known disease mechanism for MICOS13 in this disorder (PMID: 27485409, 27623147) (PVS1). This variant has a 0.0045% maximum allele frequency in non-founder control populations (PM2) and it has not been reported in individuals with MICOS13-related disorders in the databases available for review. Based on the current evidence, this variant is classified as likely pathogenic for autosomal recessive combined oxidative phosphorylation deficiency 37.

PreventionGenetics, part of Exact Sciences
Classification: Likely pathogenic for MICOS13-related condition. Last evaluated: 2024-11-25. Review status: criteria provided, single submitter. Criteria: ACMG Guidelines, 2015. Collection method: clinical testing. Allele origin: germline.
Comment: The MICOS13 c.216dupC variant is predicted to result in a frameshift and premature protein termination (p.Ala73Argfs*32). To our knowledge, this variant has not been reported in the literature. This variant is reported in 2 of ~246,000 alleles in gnomAD; however, the quality of the data at this genomic position in gnomAD is questionable and should be treated with caution. Frameshift variants in MICOS13 are expected to be pathogenic. This variant is interpreted as likely pathogenic.

Literature cited by the submitters: PubMed 27485409 (cited by Variantyx, Inc.).

NM_205767.3(MICOS13):c.150dup (p.Ala51fs)

Genes: MICOS13 (mitochondrial contact site and cristae organizing system subunit 13; minus strand), LOC130063256 (ATAC-STARR-seq lymphoblastoid active region 13805; plus strand). Cytogenetic location: 19p13.3.
Variant type: Duplication.
Coding change: c.150dup on transcript NM_205767.3 (MANE Select); coding-DNA position 150, one base duplicated (C; older notation c.150dupC).
Protein change: p.Ala51fs; shifts the reading frame from alanine 51.
Molecular consequence: frameshift variant.
Genome position (GRCh38, 1-based): chr19:5,679,643, G duplicated on the plus strand (C on the coding strand, the reverse complement: MICOS13 is on the minus strand); the first of 7 consecutive G bases (chr19:5,679,643-5,679,649); duplicating any one gives the same sequence. VCF-style (leftmost placement, unchanged base first): chr19-5679642-C-CG. GRCh37 (hg19) VCF-style: chr19-5679653-C-CG.
Other names: c.216dup, p.Ala73fs (NM_001308240.2, NM_001365761.2); c.216dupC (NM_001308240.1); short protein forms A51fs, A73fs.
Identifiers: ClinVar variation 4850746 (VCV004850746.2).
Genomic context (GRCh38, chr19:5,679,642, plus strand): 5'-GTACCTGGGGTATCTGCAGGCCTGTCTGCTGACACACGTACTGGCTGAACTGGTACATGG[C>CG]GGGGGGGACCACCTCCCCAGCCTTCTGTAGGGCTGCCTGGCTCTTGTCGCTGGGCCCCAG-3'